The following is an entry in ClinVar:

ClinVar aggregate classification (germline): Uncertain significance (1 of 4 stars; one submission).

Conditions:
Hereditary cancer-predisposing syndrome. Also called: Neoplastic Syndromes, Hereditary; Tumor predisposition; Hereditary Cancer Syndrome; Hereditary neoplastic syndrome. Identifiers: Orphanet 140162, MedGen C0027672, MeSH D009386, MONDO:0015356.

Submission:

Ambry Genetics
Classification: Uncertain significance for Hereditary cancer-predisposing syndrome. Last evaluated: 2026-01-09. Review status: criteria provided, single submitter. Criteria: Ambry Variant Classification Scheme 2023. Collection method: clinical testing. Allele origin: germline.
Comment: The p.D231E variant (also known as c.693C>A), located in coding exon 3 of the MEN1 gene, results from a C to A substitution at nucleotide position 693. The aspartic acid at codon 231 is replaced by glutamic acid, an amino acid with highly similar properties. This amino acid position is conserved. In addition, the in silico prediction for this alteration is inconclusive. Based on the available evidence, the clinical significance of this variant remains unclear.

NM_001370259.2(MEN1):c.693C>A (p.Asp231Glu)

Gene: MEN1 (menin 1; minus strand). Cytogenetic location: 11q13.1.
Variant type: single nucleotide variant.
Coding change: c.693C>A on transcript NM_001370259.2 (MANE Select); coding-DNA position 693, C replaced by A.
Protein change: p.Asp231Glu; replaces aspartic acid 231 with glutamic acid.
Molecular consequence: missense variant. On other transcripts: non-coding transcript variant (4).
Genome position (GRCh38, 1-based): chr11:64,807,642, G>T on the plus strand (C>A on the coding strand, the complement: MEN1 is on the minus strand). VCF-style: chr11-64807642-G-T. GRCh37 (hg19) VCF-style: chr11-64575114-G-T.
Other names: c.588C>A, p.Asp196Glu (NM_001370262.2, NM_001370263.2, NM_001407148.1 and 2 more transcripts); c.693C>A, p.Asp231Glu (NM_001407142.1, NM_001407143.1, NM_001407144.1 and 7 more transcripts); c.708C>A, p.Asp236Glu (NM_001407145.1, NM_001407150.1, NM_130800.3 and 5 more transcripts); short protein forms D196E, D236E, D231E.
Identifiers: ClinVar variation 4842469 (VCV004842469.1).